The following is an entry in ClinVar:

ClinVar aggregate classification (germline): Uncertain significance (1 of 4 stars; one submission).

Allele frequency attached by ClinVar (database versions not stated): TOPMed below 0.00001.

Submission:

Labcorp Genetics (formerly Invitae), Labcorp
Classification: Uncertain significance. Last evaluated: 2022-07-15. Review status: criteria provided, single submitter. Criteria: Invitae Variant Classification Sherloc (09022015). Collection method: clinical testing. Allele origin: germline.
Comment: This variant is not present in population databases (gnomAD no frequency). Algorithms developed to predict the effect of missense changes on protein structure and function are either unavailable or do not agree on the potential impact of this missense change (SIFT: "Tolerated"; PolyPhen-2: "Possibly Damaging"; Align-GVGD: "Class C0"). This variant has not been reported in the literature in individuals affected with MCM3AP-related conditions. This sequence change replaces alanine, which is neutral and non-polar, with proline, which is neutral and non-polar, at codon 1973 of the MCM3AP protein (p.Ala1973Pro). In summary, the available evidence is currently insufficient to determine the role of this variant in disease. Therefore, it has been classified as a Variant of Uncertain Significance.

NM_003906.5(MCM3AP):c.5917G>C (p.Ala1973Pro)

Genes: MCM3AP (minichromosome maintenance complex component 3 associated protein; minus strand), MCM3AP-AS1 (MCM3AP antisense RNA 1; plus strand). Cytogenetic location: 21q22.3.
Variant type: single nucleotide variant.
Coding change: c.5917G>C on transcript NM_003906.5 (MANE Select); coding-DNA position 5917, G replaced by C.
Protein change: p.Ala1973Pro; replaces alanine 1973 with proline.
Molecular consequence: missense variant.
Genome position (GRCh38, 1-based): chr21:46,235,294, C>G on the plus strand (G>C on the coding strand, the complement: MCM3AP is on the minus strand). VCF-style: chr21-46235294-C-G. GRCh37 (hg19) VCF-style: chr21-47655208-C-G.
Other names: short protein forms A1973P.
Identifiers: ClinVar variation 2016667 (VCV002016667.4), dbSNP rs1440818796, ClinGen allele CA410532455.